The following is an entry in ClinVar:

ClinVar aggregate classification (germline): Uncertain significance (1 of 4 stars; one submission).

Conditions:
Familial thoracic aortic aneurysm and aortic dissection (TAAD). Also called: Thoracic aortic aneurysms and dissections. Identifiers: Orphanet 91387, MedGen C4707243, MONDO:0019625.

gnomAD v4.1: 1 of 1,544,816 alleles (0.000065%); highest among the groups gnomAD compares: African/African-American, 0.0014%; no homozygotes.

Submission:

Ambry Genetics
Classification: Uncertain significance for Familial thoracic aortic aneurysm and aortic dissection. Last evaluated: 2026-03-29. Review status: criteria provided, single submitter. Criteria: Ambry Variant Classification Scheme 2023. Collection method: clinical testing. Allele origin: germline.
Comment: The p.E699G variant (also known as c.2096A>G), located in coding exon 7 of the SKI gene, results from an A to G substitution at nucleotide position 2096. The glutamic acid at codon 699 is replaced by glycine, an amino acid with similar properties. This amino acid position is conserved. In addition, this alteration is predicted to be deleterious by in silico analysis. Based on the available evidence, the clinical significance of this variant remains unclear.

NM_003036.4(SKI):c.2096A>G (p.Glu699Gly)

Gene: SKI (SKI proto-oncogene; plus strand). Cytogenetic location: 1p36.32.
Variant type: single nucleotide variant.
Coding change: c.2096A>G on transcript NM_003036.4 (MANE Select); coding-DNA position 2096, A replaced by G.
Protein change: p.Glu699Gly; replaces glutamic acid 699 with glycine.
Molecular consequence: missense variant.
Genome position (GRCh38, 1-based): chr1:2,306,674, A>G. VCF-style: chr1-2306674-A-G. GRCh37 (hg19) VCF-style: chr1-2238113-A-G.
Other names: short protein forms E699G.
Identifiers: ClinVar variation 4864530 (VCV004864530.1).